The following is an entry in ClinVar:

NM_001040142.2(SCN2A):c.2667C>T (p.Ala889=)

Gene: SCN2A (sodium voltage-gated channel alpha subunit 2; plus strand). Cytogenetic location: 2q24.3.
Variant type: single nucleotide variant.
Coding change: c.2667C>T on transcript NM_001040142.2 (MANE Select); coding-DNA position 2667, C replaced by T.
Protein change: p.Ala889=; no amino-acid change (alanine 889 retained).
Molecular consequence: synonymous variant.
Genome position (GRCh38, 1-based): chr2:165,344,659, C>T. VCF-style: chr2-165344659-C-T. GRCh37 (hg19) VCF-style: chr2-166201169-C-T.
Other names: c.2667C>T, p.Ala889= (NM_001040143.2, NM_001371246.1, NM_001371247.1 and 1 more transcripts).
Identifiers: ClinVar variation 2651487 (VCV002651487.25), dbSNP rs371712640, ClinGen allele CA1940013.

ClinVar aggregate classification (germline): Likely benign. Review status: criteria provided, multiple submitters, no conflicts (2 of 4 stars). 2 submissions from 2 submitters: Likely benign (2). Last evaluated 2025-08-14.

Conditions:
Developmental and epileptic encephalopathy, 11 (DEE11). Also called: Early infantile epileptic encephalopathy 11. Identifiers: Orphanet 1934, MedGen C3150987, MONDO:0013388, OMIM 613721.
Seizures, benign familial infantile, 3 (BFIS3). Also called: CONVULSIONS, BENIGN FAMILIAL INFANTILE, 3; Familial neonatal seizures. Identifiers: Orphanet 140927, Orphanet 306, MedGen C1843140, MONDO:0011904, OMIM 607745.

Allele frequency attached by ClinVar (database versions not stated): ExAC 0.00001; gnomAD 0.00001; gnomAD exomes 0.00001; ESP Exome Variant Server 0.00008.
gnomAD v4.1: 5 of 1,613,882 alleles (0.00031%); highest among the groups gnomAD compares: South Asian, 0.0011%; no homozygotes.

Submissions (2):

Labcorp Genetics (formerly Invitae), Labcorp
Classification: Likely benign for Seizures, benign familial infantile, 3; Developmental and epileptic encephalopathy, 11. Last evaluated: 2025-08-14. Review status: criteria provided, single submitter. Criteria: Invitae Variant Classification Sherloc (09022015). Collection method: clinical testing. Allele origin: germline.

CeGaT Center for Human Genetics Tuebingen
Classification: Likely benign. Last evaluated: 2023-02-01. Review status: criteria provided, single submitter. Criteria: CeGaT Center For Human Genetics Tuebingen Variant Classification Criteria Version 2. Collection method: clinical testing. Allele origin: germline. Affected: yes. Observed: 1 variant allele.
Comment: SCN2A: BP4, BP7